The following is an entry in ClinVar:

NC_000011.9:g.(?_66006255)_(66010751_?)del

Gene: PACS1 (phosphofurin acidic cluster sorting protein 1; plus strand). Cytogenetic location: 11q13.2.
Variant type: Deletion.
Identifiers: ClinVar variation 2426418 (VCV002426418.5).

ClinVar aggregate classification (germline): Uncertain significance (1 of 4 stars; one submission).

Conditions:
Schuurs-Hoeijmakers syndrome. Also called: PACS1-Related Neurodevelopmental Disorder. Identifiers: Orphanet 329224, MedGen C3554343, MONDO:0014006, OMIM 615009.

Submission:

Labcorp Genetics (formerly Invitae), Labcorp
Classification: Uncertain significance for Schuurs-Hoeijmakers syndrome. Last evaluated: 2022-08-08. Review status: criteria provided, single submitter. Criteria: Invitae Variant Classification Sherloc (09022015). Collection method: clinical testing. Allele origin: germline.
Comment: In summary, the available evidence is currently insufficient to determine the role of this variant in disease. Therefore, it has been classified as a Variant of Uncertain Significance. Experimental studies and prediction algorithms are not available or were not evaluated, and the functional significance of this variant is currently unknown. This variant has not been reported in the literature in individuals affected with PACS1-related conditions. This variant is a gross deletion of the genomic region encompassing exon(s) 20-24 of the PACS1 gene, which includes the termination codon. This deletion extends beyond the assayed region for this gene and therefore may encompass additional genes. While this deletion is not anticipated to lead to nonsense mediated decay, it is expected to alter mRNA translation or result in a truncated protein product.